The following is an entry in ClinVar:

NM_001079802.2(FKTN):c.569G>A (p.Arg190Lys)

Gene: FKTN (fukutin; plus strand). Cytogenetic location: 9q31.2.
Variant type: single nucleotide variant.
Coding change: c.569G>A on transcript NM_001079802.2 (MANE Select); coding-DNA position 569, G replaced by A.
Protein change: p.Arg190Lys; replaces arginine 190 with lysine.
Molecular consequence: missense variant. On other transcripts: non-coding transcript variant (2).
Genome position (GRCh38, 1-based): chr9:105,604,414, G>A. VCF-style: chr9-105604414-G-A. GRCh37 (hg19) VCF-style: chr9-108366695-G-A.
Other names: c.569G>A, p.Arg190Lys (NM_001198963.2, NM_001351496.2, NM_001351498.2 and 1 more transcripts); c.500G>A, p.Arg167Lys (NM_001351497.2); c.173G>A, p.Arg58Lys (NM_001351499.2, NM_001351500.2, NM_001351501.2 and 1 more transcripts); short protein forms R167K, R58K, R190K.
Identifiers: ClinVar variation 658040 (VCV000658040.7), dbSNP rs760967116, ClinGen allele CA5170438.

ClinVar aggregate classification (germline): Uncertain significance. Review status: criteria provided, multiple submitters, no conflicts (2 of 4 stars). 2 submissions from 2 submitters: Uncertain significance (2). Last evaluated 2023-02-16.

Conditions:
Walker-Warburg congenital muscular dystrophy. Also called: Muscular dystrophy-dystroglycanopathy, type A; Walker-Warburg syndrome. Identifiers: Orphanet 899, MedGen C0265221, MONDO:0000171.
Cardiovascular phenotype. Identifiers: MedGen CN230736.

Allele frequency attached by ClinVar (database versions not stated): ExAC 0.00001.
gnomAD v4.1: 4 of 1,614,052 alleles (0.00025%); highest among the groups gnomAD compares: South Asian, 0.0033%; no homozygotes.

Submissions (2):

Ambry Genetics
Classification: Uncertain significance for Cardiovascular phenotype. Last evaluated: 2023-02-16. Review status: criteria provided, single submitter. Criteria: Ambry Variant Classification Scheme 2023. Collection method: clinical testing. Allele origin: germline.
Comment: The p.R190K variant (also known as c.569G>A), located in coding exon 4 of the FKTN gene, results from a G to A substitution at nucleotide position 569. The arginine at codon 190 is replaced by lysine, an amino acid with highly similar properties. This amino acid position is conserved. In addition, the in silico prediction for this alteration is inconclusive. Since supporting evidence is limited at this time, the clinical significance of this alteration remains unclear.

Labcorp Genetics (formerly Invitae), Labcorp
Classification: Uncertain significance for Walker-Warburg congenital muscular dystrophy. Last evaluated: 2021-08-26. Review status: criteria provided, single submitter. Criteria: Invitae Variant Classification Sherloc (09022015). Collection method: clinical testing. Allele origin: germline.
Comment: This sequence change replaces arginine with lysine at codon 190 of the FKTN protein (p.Arg190Lys). The arginine residue is highly conserved and there is a small physicochemical difference between arginine and lysine. This variant is present in population databases (rs760967116, ExAC 0.006%). This variant has not been reported in the literature in individuals affected with FKTN-related conditions. Algorithms developed to predict the effect of missense changes on protein structure and function (SIFT, PolyPhen-2, Align-GVGD) all suggest that this variant is likely to be tolerated. In summary, the available evidence is currently insufficient to determine the role of this variant in disease. Therefore, it has been classified as a Variant of Uncertain Significance.